The following is an entry in ClinVar:

NM_003900.5(SQSTM1):c.43G>A (p.Asp15Asn)

Gene: SQSTM1 (sequestosome 1; plus strand). Cytogenetic location: 5q35.3.
Variant type: single nucleotide variant.
Coding change: c.43G>A on transcript NM_003900.5 (MANE Select); coding-DNA position 43, G replaced by A.
Protein change: p.Asp15Asn; replaces aspartic acid 15 with asparagine.
Molecular consequence: missense variant. On other transcripts: intron variant (2).
Genome position (GRCh38, 1-based): chr5:179,820,979, G>A. VCF-style: chr5-179820979-G-A. GRCh37 (hg19) VCF-style: chr5-179247979-G-A.
Other names: c.-47-1979G>A (NM_001142298.2, NM_001142299.2); short protein forms D15N.
Identifiers: ClinVar variation 2932299 (VCV002932299.3), dbSNP rs1040794731, ClinGen allele CA133094839.

ClinVar aggregate classification (germline): Uncertain significance (1 of 4 stars; one submission).

Conditions:
Paget disease of bone 2, early-onset (PDB2). Also called: Paget disease of bone 2. Identifiers: MedGen C4085251, MONDO:0011183, OMIM 602080.
Frontotemporal dementia and/or amyotrophic lateral sclerosis 1 (FTDALS1). Also called: C9orf72 Frontotemporal Dementia and/or Amyotrophic Lateral Sclerosis; Frontotemporal dementia with motor neuron disease 1. Identifiers: Orphanet 275872, MedGen C5779877, MONDO:0007105, OMIM 105550.

Allele frequency attached by ClinVar (database versions not stated): gnomAD exomes below 0.00001; TOPMed below 0.00001; gnomAD 0.00001.

Submission:

Labcorp Genetics (formerly Invitae), Labcorp
Classification: Uncertain significance for Paget disease of bone 2, early-onset; Frontotemporal dementia and/or amyotrophic lateral sclerosis 1. Last evaluated: 2025-03-05. Review status: criteria provided, single submitter. Criteria: Invitae Variant Classification Sherloc (09022015). Collection method: clinical testing. Allele origin: germline.
Comment: This sequence change replaces aspartic acid, which is acidic and polar, with asparagine, which is neutral and polar, at codon 15 of the SQSTM1 protein (p.Asp15Asn). This variant is not present in population databases (gnomAD no frequency). This variant has not been reported in the literature in individuals affected with SQSTM1-related conditions. ClinVar contains an entry for this variant (Variation ID: 2932299). Invitae Evidence Modeling of protein sequence and biophysical properties (such as structural, functional, and spatial information, amino acid conservation, physicochemical variation, residue mobility, and thermodynamic stability) indicates that this missense variant is not expected to disrupt SQSTM1 protein function with a negative predictive value of 80%. In summary, the available evidence is currently insufficient to determine the role of this variant in disease. Therefore, it has been classified as a Variant of Uncertain Significance.